The following is an entry in ClinVar:

NM_030650.3(LNPK):c.288CTT[1] (p.Phe98del)

Gene: LNPK (lunapark, ER junction formation factor; minus strand). Cytogenetic location: 2q31.1.
Variant type: Microsatellite.
Coding change: c.288CTT[1] on transcript NM_030650.3 (MANE Select); one copy of the 3-base unit CTT starting at c.288; the reference has two copies in a row; one copy, 3 bases deleted.
Protein change: p.Phe98del; deletes phenylalanine 98.
Molecular consequence: 5 prime UTR variant (on NM_001305011.2). On other transcripts: non-coding transcript variant (1).
Genome position (GRCh38, 1-based): chr2:175,979,833-175,979,835, AAG deleted on the plus strand (CTT on the coding strand, the reverse complement: LNPK is on the minus strand); deleting any 3 consecutive bases within chr2:175,979,833-175,979,840 gives the same sequence; the position shown is the placement nearest the transcript's 3' end. VCF-style (leftmost placement, unchanged base first): chr2-175979832-AAAG-A. GRCh37 (hg19) VCF-style: chr2-176844560-AAAG-A.
Other names: c.486CTT[1], p.Phe164del (NM_001305008.1); c.288CTT[1], p.Phe98del (NM_001305009.1); c.294CTT[1], p.Phe100del (NM_001305010.1); c.-82CTT[1] (NM_001305011.2); c.489_491del (NM_001305008.1); short protein forms F100del, F164del, F98del.
Identifiers: ClinVar variation 3777106 (VCV003777106.1).

ClinVar aggregate classification (germline): Uncertain significance (1 of 4 stars; one submission).

Conditions:
Neurodevelopmental disorder with epilepsy and hypoplasia of the corpus callosum. Identifiers: MedGen C4748137, MONDO:0060761, OMIM 618090.

Submission:

University of Washington Department of Laboratory Medicine, University of Washington
Classification: Uncertain significance for Neurodevelopmental disorder with epilepsy and hypoplasia of the corpus callosum. Last evaluated: 2022-05-17. Review status: criteria provided, single submitter. Criteria: ACMG Guidelines, 2015. Collection method: clinical testing. Allele origin: biparental. Affected: yes.
Comment: This variant results in an in-frame deletion of 1 amino acid. The LNPK p.Phe164del variant has been identified in 2/263042 chromosomes by the Genome Aggregation Database. Although this variant has been seen in the general population, its frequency is low enough to be consistent with a recessive carrier frequency. Using ACMG guidelines, this variant was classified as a variant of uncertain significance (ACMG evidence codes used: PM3_supporting, PM4, PM2_supporting).